The following is an entry in ClinVar:

NM_001377303.1(L3MBTL1):c.481G>A (p.Glu161Lys)

Gene: L3MBTL1 (L3MBTL histone methyl-lysine binding protein 1; plus strand). Cytogenetic location: 20q13.12.
Variant type: single nucleotide variant.
Coding change: c.481G>A on transcript NM_001377303.1 (MANE Select); coding-DNA position 481, G replaced by A.
Protein change: p.Glu161Lys; replaces glutamic acid 161 with lysine.
Molecular consequence: missense variant. On other transcripts: non-coding transcript variant (8).
Genome position (GRCh38, 1-based): chr20:43,514,755, G>A. VCF-style: chr20-43514755-G-A. GRCh37 (hg19) VCF-style: chr20-42143395-G-A.
Other names: c.481G>A, p.Glu161Lys (NM_001377306.1); c.211G>A, p.Glu71Lys (NM_001377307.1, NM_001377308.1, NM_001377309.1 and 2 more transcripts); c.91G>A, p.Glu31Lys (NM_001377311.1); c.415G>A, p.Glu139Lys (NM_032107.5); short protein forms E139K, E161K, E31K, E71K.
Identifiers: ClinVar variation 3046334 (VCV003046334.2), dbSNP rs193121965, ClinGen allele CA9865417.

ClinVar aggregate classification (germline): Likely benign (0 of 4 stars; one submission).

Conditions:
L3MBTL1-related disorder. Also called: L3MBTL1-related condition.

Allele frequency attached by ClinVar (database versions not stated): gnomAD exomes 0.00010; gnomAD 0.00011; 1000 Genomes Project 0.00020; ExAC 0.00021; TOPMed 0.00029; 1000 Genomes Project 30x 0.00031.
gnomAD v4.1: 153 of 1,559,126 alleles (0.0098%); highest among the groups gnomAD compares: Admixed American, 0.29%; 2 homozygotes.

Submission:

PreventionGenetics, part of Exact Sciences
Classification: Likely benign for L3MBTL1-related condition. Last evaluated: 2020-09-22. Review status: no assertion criteria provided. Collection method: clinical testing. Allele origin: germline.
Comment: This variant is classified as likely benign based on ACMG/AMP sequence variant interpretation guidelines (Richards et al. 2015 PMID: 25741868, with internal and published modifications).